The following is an entry in ClinVar:

ClinVar aggregate classification (germline): Conflicting classifications of pathogenicity. Review status: criteria provided, conflicting classifications (1 of 4 stars). 4 submissions from 4 submitters: Uncertain significance (3); Likely benign (1). Last evaluated 2026-01-11.

Conditions:
Inborn genetic diseases. Identifiers: MedGen C0950123, MeSH D030342.

Allele frequency attached by ClinVar (database versions not stated): TOPMed 0.00005.
gnomAD v4.1: 25 of 1,613,850 alleles (0.0015%); highest among the groups gnomAD compares: Middle Eastern, 0.033%; 1 homozygote.

Submissions (4):

Labcorp Genetics (formerly Invitae), Labcorp
Classification: Likely benign. Last evaluated: 2026-01-11. Review status: criteria provided, single submitter. Criteria: Invitae Variant Classification Sherloc (09022015). Collection method: clinical testing. Allele origin: germline.

GeneDx
Classification: Uncertain significance. Last evaluated: 2024-04-15. Review status: criteria provided, single submitter. Criteria: GeneDx Variant Classification Process June 2021. Collection method: clinical testing. Allele origin: germline. Affected: yes.
Comment: Has not been previously published as pathogenic or benign to our knowledge; In silico analysis supports that this missense variant has a deleterious effect on protein structure/function

Ambry Genetics
Classification: Uncertain significance for Inborn genetic diseases. Last evaluated: 2024-01-19. Review status: criteria provided, single submitter. Criteria: Ambry Variant Classification Scheme 2023. Collection method: clinical testing. Allele origin: germline.

Blueprint Genetics
Classification: Uncertain significance. Last evaluated: 2021-09-20. Review status: criteria provided, single submitter. Criteria: ACMG Guidelines, 2015. Collection method: clinical testing. Allele origin: germline.

NM_001851.6(COL9A1):c.2398C>A (p.Pro800Thr)

Gene: COL9A1 (collagen type IX alpha 1 chain; minus strand). Cytogenetic location: 6q13.
Variant type: single nucleotide variant.
Coding change: c.2398C>A on transcript NM_001851.6 (MANE Select); coding-DNA position 2398, C replaced by A.
Protein change: p.Pro800Thr; replaces proline 800 with threonine.
Molecular consequence: missense variant. On other transcripts: non-coding transcript variant (1).
Genome position (GRCh38, 1-based): chr6:70,232,688, G>T on the plus strand (C>A on the coding strand, the complement: COL9A1 is on the minus strand). VCF-style: chr6-70232688-G-T. GRCh37 (hg19) VCF-style: chr6-70942391-G-T.
Other names: c.1699C>A, p.Pro567Thr (NM_001377289.1); c.1522C>A, p.Pro508Thr (NM_001377290.1); c.1669C>A, p.Pro557Thr (NM_078485.4); short protein forms P557T, P567T, P800T, P508T.
Identifiers: ClinVar variation 960382 (VCV000960382.12), dbSNP rs527945609, ClinGen allele CA3881778.
Genomic context (GRCh38, chr6:70,232,688, plus strand): 5'-CCGGAAGGCCACGAATTCCCATCTGGCCTGGGAAACCATTCTCTCCAGGAGGGCCGGGGG[G>T]ACCAGGAGGGCCAGGCCTTCCAGGAAGCCCAGTGGCACCTGAGTCTGGACGCTTAAGACT-3'
Protein context (NP_001842.3, residues 790-810): GLPGRPGPPG[Pro800Thr]PGPPGENGFP